The following is an entry in ClinVar:

NM_015570.4(AUTS2):c.105CGG[5] (p.Gly39dup)

Genes: AUTS2 (activator of transcription and developmental regulator AUTS2; plus strand), LOC129998550 (ATAC-STARR-seq lymphoblastoid silent region 18224; plus strand). Cytogenetic location: 7q11.22.
Variant type: Microsatellite.
Coding change: c.105CGG[5] on transcript NM_015570.4 (MANE Select); five copies in a row of the 3-base unit CGG starting at c.105; the reference has four copies in a row; one copy, 3 bases duplicated; also written c.114_116dup.
Protein change: p.Gly39dup; duplicates glycine 39.
Molecular consequence: inframe insertion.
Genome position (GRCh38, 1-based): chr7:69,599,767-69,599,769, CGG duplicated; duplicating any 3 consecutive bases within chr7:69,599,758-69,599,769 gives the same sequence; the position shown is the placement nearest the transcript's 3' end. VCF-style (leftmost placement, unchanged base first): chr7-69599757-C-CCGG. GRCh37 (hg19) VCF-style: chr7-69064743-C-CCGG.
Other names: c.114_116dup (NM_015570.4); c.105CGG[5], p.Gly39dup (NM_001127231.3, NM_001127232.3).
Identifiers: ClinVar variation 1314638 (VCV001314638.5), dbSNP rs1366255788, ClinGen allele CA575784613.

ClinVar aggregate classification (germline): Uncertain significance. Review status: criteria provided, multiple submitters, no conflicts (2 of 4 stars). 2 submissions from 2 submitters: Uncertain significance (2). Last evaluated 2022-12-06.

Conditions:
Autism spectrum disorder due to AUTS2 deficiency (MRD26). Also called: INTELLECTUAL DEVELOPMENTAL DISORDER, AUTOSOMAL DOMINANT 26. Identifiers: Orphanet 352490, MedGen C4014435, MONDO:0014361, OMIM 615834.

Submissions (2):

GeneDx
Classification: Uncertain significance. Last evaluated: 2022-12-06. Review status: criteria provided, single submitter. Criteria: GeneDx Variant Classification Process June 2021. Collection method: clinical testing. Allele origin: germline. Affected: yes.
Comment: Not observed at significant frequency in large population cohorts (gnomAD); In-frame insertion of 1 amino acid in a repetitive region with no known function; Has not been previously published as pathogenic or benign to our knowledge

Revvity Omics, Revvity
Classification: Uncertain significance for Autism spectrum disorder due to AUTS2 deficiency. Last evaluated: 2021-03-19. Review status: criteria provided, single submitter. Criteria: ACMG Guidelines, 2015. Collection method: clinical testing. Allele origin: germline.